The following is an entry in ClinVar:

NM_001184.4(ATR):c.6185G>A (p.Gly2062Asp)

Genes: ATR (ATR checkpoint kinase; minus strand), LOC126806830 (BRD4-independent group 4 enhancer GRCh37_chr3:142203676-142204875; plus strand). Cytogenetic location: 3q23.
Variant type: single nucleotide variant.
Coding change: c.6185G>A on transcript NM_001184.4 (MANE Select); coding-DNA position 6185, G replaced by A.
Protein change: p.Gly2062Asp; replaces glycine 2062 with aspartic acid.
Molecular consequence: missense variant.
Genome position (GRCh38, 1-based): chr3:142,485,176, C>T on the plus strand (G>A on the coding strand, the complement: ATR is on the minus strand). VCF-style: chr3-142485176-C-T. GRCh37 (hg19) VCF-style: chr3-142204018-C-T.
Other names: c.5993G>A, p.Gly1998Asp (NM_001354579.2); short protein forms G2062D, G1998D.
Identifiers: ClinVar variation 1752082 (VCV001752082.3), dbSNP rs2108311022, ClinGen allele CA354809461.
Genomic context (GRCh38, chr3:142,485,176, plus strand): 5'-CAAACATGCAGTTCTCATACTCACCTGCCAAAATGAAGAACTATATACCGGATGAGATCA[C>T]CTTGCTTTTCCATTTTGTTGTCTGTGACCATGGGCATCAATTTGTCATAGTACTTGGCAA-3'
Protein context (NP_001175.2, residues 2052-2072): MVTDNKMEKQ[Gly2062Asp]DLIRYIVLHF

ClinVar aggregate classification (germline): Uncertain significance (1 of 4 stars; one submission).

Conditions:
Inborn genetic diseases. Identifiers: MedGen C0950123, MeSH D030342.

Submission:

Ambry Genetics
Classification: Uncertain significance for Inborn genetic diseases. Last evaluated: 2024-08-19. Review status: criteria provided, single submitter. Criteria: Ambry Variant Classification Scheme 2023. Collection method: clinical testing. Allele origin: germline.
Comment: The p.G2062D variant (also known as c.6185G>A), located in coding exon 36 of the ATR gene, results from a G to A substitution at nucleotide position 6185. The glycine at codon 2062 is replaced by aspartic acid, an amino acid with similar properties. This amino acid position is conserved. In addition, this alteration is predicted to be deleterious by in silico analysis. Since supporting evidence is limited at this time, the clinical significance of this alteration remains unclear.